The following is an entry in ClinVar:

ClinVar aggregate classification (germline): Uncertain significance (1 of 4 stars; one submission).

Conditions:
Intellectual developmental disorder, autosomal dominant 1. Also called: MBD5 Haploinsufficiency; Intellectual disability, autosomal dominant 1. Identifiers: Orphanet 228402, MedGen C1969562, MONDO:0007974, OMIM 156200.

gnomAD v4.1: 1 of 1,613,906 alleles (0.000062%); highest among the groups gnomAD compares: Non-Finnish European, 0.000085%; no homozygotes.

Submission:

Labcorp Genetics (formerly Invitae), Labcorp
Classification: Uncertain significance for Intellectual developmental disorder, autosomal dominant 1. Last evaluated: 2024-03-01. Review status: criteria provided, single submitter. Criteria: Invitae Variant Classification Sherloc (09022015). Collection method: clinical testing. Allele origin: germline.
Comment: This sequence change replaces arginine, which is basic and polar, with lysine, which is basic and polar, at codon 270 of the MBD5 protein (p.Arg270Lys). This variant is not present in population databases (gnomAD no frequency). This variant has not been reported in the literature in individuals affected with MBD5-related conditions. Advanced modeling of protein sequence and biophysical properties (such as structural, functional, and spatial information, amino acid conservation, physicochemical variation, residue mobility, and thermodynamic stability) performed at Invitae indicates that this missense variant is not expected to disrupt MBD5 protein function with a negative predictive value of 80%. In summary, the available evidence is currently insufficient to determine the role of this variant in disease. Therefore, it has been classified as a Variant of Uncertain Significance.

NM_001378120.1(MBD5):c.809G>A (p.Arg270Lys)

Gene: MBD5 (methyl-CpG binding domain protein 5; plus strand). Cytogenetic location: 2q23.1.
Variant type: single nucleotide variant.
Coding change: c.809G>A on transcript NM_001378120.1 (MANE Select); coding-DNA position 809, G replaced by A.
Protein change: p.Arg270Lys; replaces arginine 270 with lysine.
Molecular consequence: missense variant.
Genome position (GRCh38, 1-based): chr2:148,468,752, G>A. VCF-style: chr2-148468752-G-A. GRCh37 (hg19) VCF-style: chr2-149226321-G-A.
Other names: c.809G>A, p.Arg270Lys (NM_018328.5); short protein forms R270K.
Identifiers: ClinVar variation 2777645 (VCV002777645.3), dbSNP rs1210986622, ClinGen allele CA348717768.